The following is an entry in ClinVar:

NM_032608.7(MYO18B):c.3276C>A (p.Asp1092Glu)

Gene: MYO18B (myosin XVIIIB; plus strand). Cytogenetic location: 22q12.1.
Variant type: single nucleotide variant.
Coding change: c.3276C>A on transcript NM_032608.7 (MANE Select); coding-DNA position 3276, C replaced by A.
Protein change: p.Asp1092Glu; replaces aspartic acid 1092 with glutamic acid.
Molecular consequence: missense variant.
Genome position (GRCh38, 1-based): chr22:25,843,802, C>A. VCF-style: chr22-25843802-C-A. GRCh37 (hg19) VCF-style: chr22-26239769-C-A.
Other names: c.3279C>A, p.Asp1093Glu (NM_001318245.2); short protein forms D1092E, D1093E.
Identifiers: ClinVar variation 2015410 (VCV002015410.4), dbSNP rs2517570077, ClinGen allele CA410997933.
Genomic context (GRCh38, chr22:25,843,802, plus strand): 5'-TGCCCTGCGGACCTGTGAGCAGCCCCTCCAGTGTGAGATTTTCCACCAGTTGGGATGGGA[C>A]CCTGTGCGGTACGACCTCACGGGCTGGCTCCACAGAGCCAAGCCCAACCTCTCGGCCCTG-3'
Protein context (NP_115997.5, residues 1082-1102): QCEIFHQLGW[Asp1092Glu]PVRYDLTGWL

ClinVar aggregate classification (germline): Uncertain significance (1 of 4 stars; one submission).

Submission:

Labcorp Genetics (formerly Invitae), Labcorp
Classification: Uncertain significance. Last evaluated: 2022-07-17. Review status: criteria provided, single submitter. Criteria: Invitae Variant Classification Sherloc (09022015). Collection method: clinical testing. Allele origin: germline.
Comment: This sequence change replaces aspartic acid, which is acidic and polar, with glutamic acid, which is acidic and polar, at codon 1092 of the MYO18B protein (p.Asp1092Glu). This variant is not present in population databases (gnomAD no frequency). This variant has not been reported in the literature in individuals affected with MYO18B-related conditions. Algorithms developed to predict the effect of missense changes on protein structure and function are either unavailable or do not agree on the potential impact of this missense change (SIFT: "Not Available"; PolyPhen-2: "Probably Damaging"; Align-GVGD: "Not Available"). In summary, the available evidence is currently insufficient to determine the role of this variant in disease. Therefore, it has been classified as a Variant of Uncertain Significance.